The following is an entry in ClinVar:

ClinVar aggregate classification (germline): Uncertain significance (1 of 4 stars; one submission).

Conditions:
Hereditary cancer-predisposing syndrome. Also called: Neoplastic Syndromes, Hereditary; Tumor predisposition; Hereditary Cancer Syndrome; Hereditary neoplastic syndrome. Identifiers: Orphanet 140162, MedGen C0027672, MeSH D009386, MONDO:0015356.

Allele frequency attached by ClinVar (database versions not stated): TOPMed below 0.00001; ExAC 0.00001; gnomAD 0.00001; ESP Exome Variant Server 0.00008.
gnomAD v4.1: 1 of 1,603,564 alleles (0.000062%); highest among the groups gnomAD compares: Non-Finnish European, 0.000085%; no homozygotes.

Submission:

Ambry Genetics
Classification: Uncertain significance for Hereditary cancer-predisposing syndrome. Last evaluated: 2022-05-27. Review status: criteria provided, single submitter. Criteria: Ambry Variant Classification Scheme 2023. Collection method: clinical testing. Allele origin: germline.
Comment: The p.I740V variant (also known as c.2218A>G), located in coding exon 13 of the PMS2 gene, results from an A to G substitution at nucleotide position 2218. The isoleucine at codon 740 is replaced by valine, an amino acid with highly similar properties. This amino acid position is not well conserved in available vertebrate species. In addition, this alteration is predicted to be tolerated by in silico analysis. Since supporting evidence is limited at this time, the clinical significance of this alteration remains unclear.

NM_000535.7(PMS2):c.2218A>G (p.Ile740Val)

Gene: PMS2 (PMS1 homolog 2, mismatch repair system component; minus strand). Cytogenetic location: 7p22.1.
Variant type: single nucleotide variant.
Coding change: c.2218A>G on transcript NM_000535.7 (MANE Select); coding-DNA position 2218, A replaced by G.
Protein change: p.Ile740Val; replaces isoleucine 740 with valine.
Molecular consequence: missense variant. On other transcripts: non-coding transcript variant (1).
Genome position (GRCh38, 1-based): chr7:5,978,653, T>C on the plus strand (A>G on the coding strand, the complement: PMS2 is on the minus strand). VCF-style: chr7-5978653-T-C. GRCh37 (hg19) VCF-style: chr7-6018284-T-C.
Other names: c.1813A>G, p.Ile605Val (NM_001018040.1, NM_001322003.2, NM_001322004.2 and 15 more transcripts); c.2062A>G, p.Ile688Val (NM_001322006.2, NM_001406870.1); c.1900A>G, p.Ile634Val (NM_001322007.2, NM_001322008.2, NM_001406876.1 and 1 more transcripts); c.1657A>G, p.Ile553Val (NM_001322010.2, NM_001406906.1, NM_001406907.1); c.1285A>G, p.Ile429Val (NM_001322011.2, NM_001322012.2); c.1645A>G, p.Ile549Val (NM_001322013.2, NM_001406908.1, NM_001406909.1); c.2218A>G, p.Ile740Val (NM_001322014.2); c.1909A>G, p.Ile637Val (NM_001322015.2, NM_001406875.1, NM_001406877.1 and 5 more transcripts); and 14 more; short protein forms I339V, I483V, I605V, I674V, I684V, I740V, I802V, I429V.
Identifiers: ClinVar variation 1787861 (VCV001787861.2), dbSNP rs371928968, ClinGen allele CA047106.
Genomic context (GRCh38, chr7:5,978,653, plus strand): 5'-TACCATTTTCATCGATAACAAAATCAAAGCCATTCTTTCTAAATATTTCCAGATTTTCTA[T>C]CAGAACAGCTTCATTAACAGCAGTTAAGTTGAGAGTCTGAGGTCTGAAAAACACAAAAAT-3'
Protein context (NP_000526.2, residues 730-750): NLTAVNEAVL[Ile740Val]ENLEIFRKNG